The following is an entry in ClinVar:

NC_000011.9:g.(?_108225592)_(108229424_?)del

Gene: ATM (ATM serine/threonine kinase; plus strand). Cytogenetic location: 11q22.3.
Variant type: Deletion.
Identifiers: ClinVar variation 1460024 (VCV001460024.4).

ClinVar aggregate classification (germline): Pathogenic (1 of 4 stars; one submission).

Conditions:
Ataxia-telangiectasia syndrome (AT). Also called: Ataxia-telangiectasia, complementation group D; AT, COMPLEMENTATION GROUP C; Cerebello-oculocutaneous telangiectasia; Immunodeficiency with ataxia telangiectasia; Ataxia-telangiectasia, complementation group E; LOUIS-BAR SYNDROME. Identifiers: Orphanet 100, MedGen C0004135, MONDO:0008840, OMIM 208900.

Submission:

Labcorp Genetics (formerly Invitae), Labcorp
Classification: Pathogenic for Ataxia-telangiectasia syndrome. Last evaluated: 2023-10-13. Review status: criteria provided, single submitter. Criteria: Invitae Variant Classification Sherloc (09022015). Collection method: clinical testing. Allele origin: germline.
Comment: This variant results in the deletion of c.8841_8850+3823del of the ATM gene. It is expected to disrupt RNA splicing. Variants that disrupt the donor or acceptor splice site typically lead to a loss of protein function (PMID: 16199547), and loss-of-function variants in ATM are known to be pathogenic (PMID: 23807571, 25614872). This variant has not been reported in the literature in individuals affected with ATM-related conditions. ClinVar contains an entry for this variant (Variation ID: 1764860). For these reasons, this variant has been classified as Pathogenic.

Literature cited by the submitters: PubMed 16199547; PubMed 23807571; PubMed 25614872.